The following is an entry in ClinVar:

ClinVar aggregate classification (germline): Uncertain significance (1 of 4 stars; one submission).

Allele frequency attached by ClinVar (database versions not stated): gnomAD exomes below 0.00001.
gnomAD v4.1: 1 of 1,613,260 alleles (0.000062%); highest among the groups gnomAD compares: East Asian, 0.0022%; no homozygotes.

Submission:

Labcorp Genetics (formerly Invitae), Labcorp
Classification: Uncertain significance. Last evaluated: 2021-12-25. Review status: criteria provided, single submitter. Criteria: Invitae Variant Classification Sherloc (09022015). Collection method: clinical testing. Allele origin: germline.
Comment: In summary, the available evidence is currently insufficient to determine the role of this variant in disease. Therefore, it has been classified as a Variant of Uncertain Significance. Algorithms developed to predict the effect of sequence changes on RNA splicing suggest that this variant may create or strengthen a splice site. This variant has not been reported in the literature in individuals affected with LAMC3-related conditions. The frequency data for this variant in the population databases is considered unreliable, as metrics indicate poor data quality at this position in the gnomAD database. This sequence change affects codon 863 of the LAMC3 mRNA. It is a 'silent' change, meaning that it does not change the encoded amino acid sequence of the LAMC3 protein.

NM_006059.4(LAMC3):c.2589C>T (p.Cys863=)

Gene: LAMC3 (laminin subunit gamma 3; plus strand). Cytogenetic location: 9q34.12.
Variant type: single nucleotide variant.
Coding change: c.2589C>T on transcript NM_006059.4 (MANE Select); coding-DNA position 2589, C replaced by T.
Protein change: p.Cys863=; no amino-acid change (cysteine 863 retained).
Molecular consequence: synonymous variant.
Genome position (GRCh38, 1-based): chr9:131,067,201, C>T. VCF-style: chr9-131067201-C-T. GRCh37 (hg19) VCF-style: chr9-133942588-C-T.
Identifiers: ClinVar variation 2060056 (VCV002060056.4), dbSNP rs1374501470, ClinGen allele CA467498787.
Genomic context (GRCh38, chr9:131,067,201, plus strand): 5'-TGAGCACTGTCAGGAAGGCTTCTACGGGAGCGCCCTGGCCCCTCGACCCGCAGACAAATG[C>T]ATGCGTGAGTACCTACCTCCAGACCCCAGGGTGGCACATGGTGGGCCCCTTCTCTTCTGC-3'
Protein context (NP_006050.3, residues 853-873): SALAPRPADK[Cys863=]MPCSCHPQGS